The following is an entry in ClinVar:

ClinVar aggregate classification (germline): Uncertain significance. Review status: criteria provided, multiple submitters, no conflicts (2 of 4 stars). 2 submissions from 2 submitters: Uncertain significance (2). Last evaluated 2024-01-20.

Conditions:
Neuronopathy, distal hereditary motor, type 2C. Also called: HMN IIC; NEUROPATHY, DISTAL HEREDITARY MOTOR, AUTOSOMAL DOMINANT 4; NEURONOPATHY, DISTAL HEREDITARY MOTOR, HARDING TYPE IIC; NEUROPATHY, DISTAL HEREDITARY MOTOR, HARDING TYPE IIC. Identifiers: Orphanet 139525, MedGen C3150619, MONDO:0013243, OMIM 613376.

Allele frequency attached by ClinVar (database versions not stated): gnomAD exomes 0.00001 and 0.00002; TOPMed 0.00001; ExAC 0.00002.
gnomAD v4.1: 19 of 1,614,074 alleles (0.0012%); highest among the groups gnomAD compares: Non-Finnish European, 0.0014%; no homozygotes.

Submissions (2):

Labcorp Genetics (formerly Invitae), Labcorp
Classification: Uncertain significance for Neuronopathy, distal hereditary motor, type 2C. Last evaluated: 2024-01-20. Review status: criteria provided, single submitter. Criteria: Invitae Variant Classification Sherloc (09022015). Collection method: clinical testing. Allele origin: germline.
Comment: This sequence change replaces arginine, which is basic and polar, with glutamine, which is neutral and polar, at codon 23 of the HSPB3 protein (p.Arg23Gln). This variant is present in population databases (rs780119257, gnomAD 0.004%). This variant has not been reported in the literature in individuals affected with HSPB3-related conditions. ClinVar contains an entry for this variant (Variation ID: 931148). An algorithm developed to predict the effect of missense changes on protein structure and function (PolyPhen-2) suggests that this variant is likely to be tolerated. In summary, the available evidence is currently insufficient to determine the role of this variant in disease. Therefore, it has been classified as a Variant of Uncertain Significance.

Centre for Mendelian Genomics, University Medical Centre Ljubljana
Classification: Uncertain significance for Neuronopathy, distal hereditary motor, type 2C. Last evaluated: 2019-09-12. Review status: criteria provided, single submitter. Criteria: ACMG Guidelines, 2015. Collection method: clinical testing. Allele origin: unknown. Affected: yes.
Comment: This variant was classified as: Uncertain significance. The available evidence on this variant's pathogenicity is insufficient or conflicting. The following ACMG criteria were applied in classifying this variant: BP4.

NM_006308.3(HSPB3):c.68G>A (p.Arg23Gln)

Gene: HSPB3 (heat shock protein family B (small) member 3; plus strand). Cytogenetic location: 5q11.2.
Variant type: single nucleotide variant.
Coding change: c.68G>A on transcript NM_006308.3 (MANE Select); coding-DNA position 68, G replaced by A.
Protein change: p.Arg23Gln; replaces arginine 23 with glutamine.
Molecular consequence: missense variant.
Genome position (GRCh38, 1-based): chr5:54,455,857, G>A. VCF-style: chr5-54455857-G-A. GRCh37 (hg19) VCF-style: chr5-53751687-G-A.
Other names: short protein forms R23Q.
Identifiers: ClinVar variation 931148 (VCV000931148.12), dbSNP rs780119257, ClinGen allele CA3264603.